The following is an entry in ClinVar:

ClinVar aggregate classification (germline): Uncertain significance (1 of 4 stars; one submission).

Allele frequency attached by ClinVar (database versions not stated): gnomAD exomes below 0.00001.
gnomAD v4.1: 2 of 1,598,844 alleles (0.00013%); highest among the groups gnomAD compares: Non-Finnish European, 0.00017%; no homozygotes.

Submission:

Labcorp Genetics (formerly Invitae), Labcorp
Classification: Uncertain significance. Last evaluated: 2022-05-05. Review status: criteria provided, single submitter. Criteria: Invitae Variant Classification Sherloc (09022015). Collection method: clinical testing. Allele origin: germline.
Comment: This sequence change replaces threonine, which is neutral and polar, with isoleucine, which is neutral and non-polar, at codon 422 of the TULP1 protein (p.Thr422Ile). This variant is not present in population databases (gnomAD no frequency). In summary, the available evidence is currently insufficient to determine the role of this variant in disease. Therefore, it has been classified as a Variant of Uncertain Significance. Algorithms developed to predict the effect of missense changes on protein structure and function are either unavailable or do not agree on the potential impact of this missense change (SIFT: "Not Available"; PolyPhen-2: "Probably Damaging"; Align-GVGD: "Not Available"). This variant has not been reported in the literature in individuals affected with TULP1-related conditions.

NM_003322.6(TULP1):c.1265C>T (p.Thr422Ile)

Gene: TULP1 (TUB like protein 1; minus strand). Cytogenetic location: 6p21.31.
Variant type: single nucleotide variant.
Coding change: c.1265C>T on transcript NM_003322.6 (MANE Select); coding-DNA position 1265, C replaced by T.
Protein change: p.Thr422Ile; replaces threonine 422 with isoleucine.
Molecular consequence: missense variant.
Genome position (GRCh38, 1-based): chr6:35,503,617, G>A on the plus strand (C>T on the coding strand, the complement: TULP1 is on the minus strand). VCF-style: chr6-35503617-G-A. GRCh37 (hg19) VCF-style: chr6-35471394-G-A.
Other names: c.1106C>T, p.Thr369Ile (NM_001289395.2); short protein forms T369I, T422I.
Identifiers: ClinVar variation 2131754 (VCV002131754.4), dbSNP rs1297122363, ClinGen allele CA363779147.